The following is an entry in ClinVar:

ClinVar aggregate classification (germline): Uncertain significance (1 of 4 stars; one submission).

Conditions:
Hereditary cancer-predisposing syndrome. Also called: Neoplastic Syndromes, Hereditary; Tumor predisposition; Hereditary Cancer Syndrome; Hereditary neoplastic syndrome. Identifiers: Orphanet 140162, MedGen C0027672, MeSH D009386, MONDO:0015356.

Submission:

Ambry Genetics
Classification: Uncertain significance for Hereditary cancer-predisposing syndrome. Last evaluated: 2019-03-21. Review status: criteria provided, single submitter. Criteria: Ambry Variant Classification Scheme 2023. Collection method: clinical testing. Allele origin: germline.
Comment: The p.R558S variant (also known as c.1674G>T), located in coding exon 11 of the RAD50 gene, results from a G to T substitution at nucleotide position 1674. The arginine at codon 558 is replaced by serine, an amino acid with dissimilar properties. This amino acid position is highly conserved in available vertebrate species. In addition, the in silico prediction for this alteration is inconclusive. Since supporting evidence is limited at this time, the clinical significance of this alteration remains unclear.

NM_005732.4(RAD50):c.1674G>T (p.Arg558Ser)

Gene: RAD50 (RAD50 double strand break repair protein; plus strand). Cytogenetic location: 5q31.1.
Variant type: single nucleotide variant.
Coding change: c.1674G>T on transcript NM_005732.4 (MANE Select); coding-DNA position 1674, G replaced by T.
Protein change: p.Arg558Ser; replaces arginine 558 with serine.
Molecular consequence: missense variant.
Genome position (GRCh38, 1-based): chr5:132,591,915, G>T. VCF-style: chr5-132591915-G-T. GRCh37 (hg19) VCF-style: chr5-131927607-G-T.
Other names: short protein forms R558S.
Identifiers: ClinVar variation 819762 (VCV000819762.4), dbSNP rs1580994811, ClinGen allele CA360946406.